The following is an entry in ClinVar:

NM_001080449.3(DNA2):c.2782G>A (p.Val928Ile)

Gene: DNA2 (DNA replication helicase/nuclease 2; minus strand). Cytogenetic location: 10q21.3.
Variant type: single nucleotide variant.
Coding change: c.2782G>A on transcript NM_001080449.3 (MANE Select); coding-DNA position 2782, G replaced by A.
Protein change: p.Val928Ile; replaces valine 928 with isoleucine.
Molecular consequence: missense variant. On other transcripts: non-coding transcript variant (1).
Genome position (GRCh38, 1-based): chr10:68,419,808, C>T on the plus strand (G>A on the coding strand, the complement: DNA2 is on the minus strand). VCF-style: chr10-68419808-C-T. GRCh37 (hg19) VCF-style: chr10-70179565-C-T.
Other names: short protein forms V928I.
Identifiers: ClinVar variation 257344 (VCV000257344.16), dbSNP rs75569266, ClinGen allele CA5524738.
Genomic context (GRCh38, chr10:68,419,808, plus strand): 5'-AACATTCTTTTATTCTGCACTTTAATATTTGCTAGCCTTGAAAATTCTAAATTACCTTAA[C>T]AAAAATGGAGGTTAGGAAAACTATGAGTTTGGCTTCTGTTACATTGCTCACACCACCTTT-3'
Protein context (NP_001073918.2, residues 918-938): KLIVFLTSIF[Val928Ile]KAGCSPSDIG

ClinVar aggregate classification (germline): Benign/Likely benign. Review status: criteria provided, multiple submitters, no conflicts (2 of 4 stars). 6 submissions from 6 submitters: Benign (4); Likely benign (1). 1 of the submissions does not count toward it. Last evaluated 2026-02-01.

Allele frequency attached by ClinVar (database versions not stated): gnomAD exomes 0.00267 and 0.00728; ExAC 0.00874; 1000 Genomes Project 0.02676; 1000 Genomes Project 30x 0.02904; gnomAD 0.02934 and 0.03176; ESP Exome Variant Server 0.03076; TOPMed 0.03376.
gnomAD v4.1: 8,589 of 1,612,212 alleles (0.53%); highest among the groups gnomAD compares: African/African-American, 10%; 390 homozygotes.

Submissions (6):

Labcorp Genetics (formerly Invitae), Labcorp
Classification: Benign. Last evaluated: 2026-02-01. Review status: criteria provided, single submitter. Criteria: Invitae Variant Classification Sherloc (09022015). Collection method: clinical testing. Allele origin: germline.

Blueprint Genetics
Classification: Likely benign. Last evaluated: 2024-11-26. Review status: criteria provided, single submitter. Criteria: ACMG Guidelines, 2015. Collection method: clinical testing. Allele origin: germline.

GeneDx
Classification: Benign. Last evaluated: 2015-12-24. Review status: criteria provided, single submitter. Criteria: GeneDx Variant Classification (06012015). Collection method: clinical testing. Allele origin: germline. Affected: yes.
Comment: This variant is considered likely benign or benign based on one or more of the following criteria: it is a conservative change, it occurs at a poorly conserved position in the protein, it is predicted to be benign by multiple in silico algorithms, and/or has population frequency not consistent with disease.

Breakthrough Genomics
Classification: Benign. Review status: criteria provided, single submitter. Criteria: ACMG Guidelines, 2015. Collection method: not provided. Allele origin: germline. Inheritance: Autosomal recessive inheritance. Affected: yes.

PreventionGenetics, part of Exact Sciences
Classification: Benign. Review status: criteria provided, single submitter. Criteria: ACMG Guidelines, 2015. Collection method: clinical testing. Allele origin: germline.

Mayo Clinic Laboratories, Mayo Clinic
Classification: Benign. Last evaluated: 2017-10-25. Review status: no assertion criteria provided. Collection method: clinical testing. Allele origin: unknown. Not counted in ClinVar's aggregate classification.